The following is an entry in ClinVar:

NM_004069.6(AP2S1):c.44G>T (p.Arg15Leu)

Gene: AP2S1 (adaptor related protein complex 2 subunit sigma 1; minus strand). Cytogenetic location: 19q13.32.
Variant type: single nucleotide variant.
Coding change: c.44G>T on transcript NM_004069.6 (MANE Select); coding-DNA position 44, G replaced by T.
Protein change: p.Arg15Leu; replaces arginine 15 with leucine.
Molecular consequence: missense variant.
Genome position (GRCh38, 1-based): chr19:46,846,102, C>A on the plus strand (G>T on the coding strand, the complement: AP2S1 is on the minus strand). VCF-style: chr19-46846102-C-A. GRCh37 (hg19) VCF-style: chr19-47349359-C-A.
Other names: c.92G>T, p.Arg31Leu (NM_001301076.3); c.44G>T, p.Arg15Leu (NM_001301078.3, NM_021575.5); c.50G>T, p.Arg17Leu (NM_001301081.3); c.44G>T (NM_004069.3); short protein forms R15L, R31L, R17L.
Identifiers: ClinVar variation 39425 (VCV000039425.30), dbSNP rs397514499, ClinGen allele CA130282.

ClinVar aggregate classification (germline): Pathogenic. Review status: criteria provided, multiple submitters, no conflicts (2 of 4 stars). 10 submissions from 10 submitters: Pathogenic (6). 4 of the submissions do not count toward it. Last evaluated 2025-11-23.

Conditions:
AP2S1-related disorder. Also called: AP2S1-related condition.
Familial hypocalciuric hypercalcemia 3. Also called: FAMILIAL BENIGN HYPERCALCEMIA, TYPE III; Hypocalciuric hypercalcemia, type III; Hypocalciuric hypercalcemia, familial, type III; HYPERCALCEMIA, FAMILIAL BENIGN, OKLAHOMA TYPE. Identifiers: Orphanet 101050, Orphanet 405, MedGen C1833372, MONDO:0010926, OMIM 600740.

Submissions (10):

Labcorp Genetics (formerly Invitae), Labcorp
Classification: Pathogenic. Last evaluated: 2025-11-23. Review status: criteria provided, single submitter. Criteria: Invitae Variant Classification Sherloc (09022015). Collection method: clinical testing. Allele origin: germline.
Comment: This sequence change replaces arginine, which is basic and polar, with leucine, which is neutral and non-polar, at codon 15 of the AP2S1 protein (p.Arg15Leu). This variant is not present in population databases (gnomAD no frequency). This missense change has been observed in individual(s) with hypocalciuric hypercalcemia type 3 (PMID: 23222959, 24081735, 24731014, 26082470, 27913609). In at least one individual the variant was observed to be de novo. ClinVar contains an entry for this variant (Variation ID: 39425). An algorithm developed to predict the effect of missense changes on protein structure and function (PolyPhen-2) suggests that this variant is likely to be tolerated. Experimental studies have shown that this missense change affects AP2S1 function (PMID: 23222959, 26082470). This variant disrupts the p.Arg15 amino acid residue in AP2S1. Other variant(s) that disrupt this residue have been determined to be pathogenic (PMID: 23222959, 24731014, 26082470, 27050234). This suggests that this residue is clinically significant, and that variants that disrupt this residue are likely to be disease-causing. For these reasons, this variant has been classified as Pathogenic.

Center for Genomic Medicine, Rigshospitalet, Copenhagen University Hospital
Classification: Pathogenic. Last evaluated: 2025-03-04. Review status: criteria provided, single submitter. Criteria: ACMG Guidelines, 2015. Collection method: clinical testing. Allele origin: germline.

Blueprint Genetics
Classification: Pathogenic for AP2S1-related disorders. Last evaluated: 2024-04-10. Review status: criteria provided, single submitter. Criteria: ACMG Guidelines, 2015. Collection method: clinical testing. Allele origin: germline. Affected: yes. Observed: 4 variant alleles.

GeneDx
Classification: Pathogenic. Last evaluated: 2024-01-11. Review status: criteria provided, single submitter. Criteria: GeneDx Variant Classification Process June 2021. Collection method: clinical testing. Allele origin: germline. Affected: yes.
Comment: Published functional studies demonstrate this variant disrupts extracellular-calcium homeostasis with a dominant-negative effect of the mutant protein on calcium response (PMID: 26082470, 23222959); Not observed at significant frequency in large population cohorts (gnomAD); In silico analysis supports that this missense variant has a deleterious effect on protein structure/function; This variant is associated with the following publications: (PMID: 27050234, 25993639, 24731014, 23222959, 27913609, 26082470, 28176280, 24081735, 31391146, 31672324, 32430905, 35586626)

Institute of Human Genetics, University of Leipzig Medical Center
Classification: Pathogenic for Familial hypocalciuric hypercalcemia 3. Last evaluated: 2019-01-01. Review status: criteria provided, single submitter. Criteria: ACMG Guidelines, 2015. Collection method: clinical testing. Allele origin: unknown. Affected: yes.

Genetic Services Laboratory, University of Chicago
Classification: Pathogenic. Last evaluated: 2017-07-12. Review status: criteria provided, single submitter. Criteria: ACMG Guidelines, 2015. Collection method: clinical testing. Allele origin: germline. Affected: yes.

Molecular Genetics Laboratory, Biobizkaia Health Research Institute
Classification: Pathogenic for Familial hypocalciuric hypercalcemia 3. Last evaluated: 2024-03-08. Review status: no assertion criteria provided. Collection method: clinical testing. Allele origin: de novo. Affected: yes. Not counted in ClinVar's aggregate classification.

PreventionGenetics, part of Exact Sciences
Classification: Pathogenic for AP2S1-related condition. Last evaluated: 2024-02-16. Review status: no assertion criteria provided. Collection method: clinical testing. Allele origin: germline. Not counted in ClinVar's aggregate classification.
Comment: The AP2S1 c.44G>T variant is predicted to result in the amino acid substitution p.Arg15Leu. This variant has been reported to be pathogenic for familial hypocalciuric hypercalcemia (FHH) (Nesbit et al. 2013. PubMed ID: 23222959; Hendy et al. 2014. PubMed ID: 24731014; Hannan et al. 2015. PubMed ID: 26082470; Mariathasan et al. 2020. PubMed ID: 32430905). Nesbit et al. found three different amino acid changes at the p.Arg15 codon (p.Arg15Cys, p.Arg15His and p.Arg15Leu) in FHH patients who were negative for CASR defects. These alterations at the p.Arg15 codon resulted in decreased sensitivity of CaSR-expressing cells to extracellular calcium, reduced CaSR endocytosis, and decreased intracellular signaling. Of note, cinacalcet-mediated allosteric modulation of the calcium-sensing receptor has been recently demonstrated to be able to correct the loss of function of AP2S1 alterations at the p.Arg15 codon (Howles et al. 2016.PubMed ID: 27276582). In summary, this variant is interpreted as pathogenic.

Biochemical Molecular Genetic Laboratory, King Abdulaziz Medical City
Classification: Pathogenic for Familial hypocalciuric hypercalcemia 3. Last evaluated: 2020-05-06. Review status: no assertion criteria provided. Collection method: clinical testing. Allele origin: germline. Affected: yes. Not counted in ClinVar's aggregate classification.

OMIM
Classification: Pathogenic for HYPOCALCIURIC HYPERCALCEMIA, FAMILIAL, TYPE III. Last evaluated: 2013-01-01. Review status: no assertion criteria provided. Collection method: literature only. Allele origin: germline. Not counted in ClinVar's aggregate classification.

Literature cited by the submitters: PubMed 23222959 (cited by Labcorp Genetics (formerly Invitae), Labcorp and OMIM); PubMed 24081735 (cited by Labcorp Genetics (formerly Invitae), Labcorp and OMIM); PubMed 24731014 (cited by Labcorp Genetics (formerly Invitae), Labcorp); PubMed 26082470 (cited by Labcorp Genetics (formerly Invitae), Labcorp); PubMed 27913609 (cited by Labcorp Genetics (formerly Invitae), Labcorp); PubMed 27050234 (cited by Labcorp Genetics (formerly Invitae), Labcorp).